The following is an entry in ClinVar:

NM_003242.6(TGFBR2):c.1266A>G (p.Ala422=)

Gene: TGFBR2 (transforming growth factor beta receptor 2; plus strand). Cytogenetic location: 3p24.1.
Variant type: single nucleotide variant.
Coding change: c.1266A>G on transcript NM_003242.6 (MANE Select); coding-DNA position 1266, A replaced by G.
Protein change: p.Ala422=; no amino-acid change (alanine 422 retained).
Molecular consequence: synonymous variant. On other transcripts: intron variant (1).
Genome position (GRCh38, 1-based): chr3:30,674,116, A>G. VCF-style: chr3-30674116-A-G. GRCh37 (hg19) VCF-style: chr3-30715608-A-G.
Other names: p.A422A:GCA>GCG; p.Ala422=; c.1341A>G, p.Ala447= (NM_001024847.3); c.1449A>G, p.Ala483= (NM_001407126.1); c.1374A>G, p.Ala458= (NM_001407127.1); c.1293A>G, p.Ala431= (NM_001407128.1); c.1269A>G, p.Ala423= (NM_001407129.1); c.1266A>G, p.Ala422= (NM_001407130.1); and 4 more.
Identifiers: ClinVar variation 36865 (VCV000036865.42), dbSNP rs2228047, ClinGen allele CA020636.

ClinVar aggregate classification (germline): Benign. Review status: criteria provided, multiple submitters, no conflicts (2 of 4 stars). 15 submissions from 15 submitters: Benign (15). Last evaluated 2026-02-03.

Conditions:
Cardiovascular phenotype. Identifiers: MedGen CN230736.
Ehlers-Danlos syndrome (EDS). Identifiers: Orphanet 98249, MedGen C0013720, MONDO:0020066.
Familial thoracic aortic aneurysm and aortic dissection (TAAD). Also called: Thoracic aortic aneurysms and dissections. Identifiers: Orphanet 91387, MedGen C4707243, MONDO:0019625.
Loeys-Dietz syndrome (LDS). Identifiers: Orphanet 60030, MedGen C2697932, MONDO:0018954.
Loeys-Dietz syndrome 2 (LDS2). Also called: AORTIC ANEURYSM, FAMILIAL THORACIC 3; MARFAN SYNDROME, TYPE II; TGFBR2-Related Loeys-Dietz Syndrome; Marfan syndrome, type 2 (formerly); Marfan Syndrome type 2; Marfan like connective tissue disorder. Identifiers: Orphanet 284973, Orphanet 558, MedGen C2674574, MONDO:0012427, OMIM 610168.

Allele frequency attached by ClinVar (database versions not stated): gnomAD exomes 0.00702 and 0.00291; gnomAD 0.02791 and 0.02974; ESP Exome Variant Server 0.03160; ExAC 0.00878; 1000 Genomes Project 30x 0.03310; TOPMed 0.03094; 1000 Genomes Project 0.03115.
gnomAD v4.1: 8,698 of 1,614,134 alleles (0.54%); highest among the groups gnomAD compares: African/African-American, 10%; 377 homozygotes.

Submissions (15):

Labcorp Genetics (formerly Invitae), Labcorp
Classification: Benign for Familial thoracic aortic aneurysm and aortic dissection. Last evaluated: 2026-02-03. Review status: criteria provided, single submitter. Criteria: Invitae Variant Classification Sherloc (09022015). Collection method: clinical testing. Allele origin: germline.

Molecular Diagnostic Laboratory for Inherited Cardiovascular Disease, Montreal Heart Institute
Classification: Benign. Last evaluated: 2025-04-09. Review status: criteria provided, single submitter. Criteria: ACMG Guidelines, 2015. Collection method: clinical testing. Allele origin: germline. Affected: no.

ARUP Laboratories, Molecular Genetics and Genomics, ARUP Laboratories
Classification: Benign. Last evaluated: 2025-03-27. Review status: criteria provided, single submitter. Criteria: ARUP Molecular Germline Variant Investigation Process 2024. Collection method: clinical testing. Allele origin: germline.

Mayo Clinic Laboratories, Mayo Clinic
Classification: Benign. Last evaluated: 2024-10-08. Review status: criteria provided, single submitter. Criteria: ACMG Guidelines, 2015. Collection method: clinical testing. Allele origin: germline. Observed: 40 variant alleles.

All of Us Research Program, National Institutes of Health
Classification: Benign for Loeys-Dietz syndrome 2. Last evaluated: 2024-02-05. Review status: criteria provided, single submitter. Criteria: ACMG Guidelines, 2015. Collection method: clinical testing. Allele origin: germline. Inheritance: Autosomal dominant inheritance. Observed: 1,646 variant alleles, 1,578 heterozygotes, 68 homozygotes.
Comment: This study involves interpretation of variants in research participants for the purpose of population health screening. Participant phenotype was not available at the time of variant classification. Additional details can be found in publication PMID: 35346344, PMCID: PMC8962531

CHEO Genetics Diagnostic Laboratory, Children's Hospital of Eastern Ontario
Classification: Benign for Familial thoracic aortic aneurysm and aortic dissection. Last evaluated: 2022-12-01. Review status: criteria provided, single submitter. Criteria: ACMG Guidelines, 2015. Collection method: clinical testing. Allele origin: germline.

Genome Diagnostics Laboratory, The Hospital for Sick Children
Classification: Benign for Ehlers-Danlos syndrome. Last evaluated: 2021-08-13. Review status: criteria provided, single submitter. Criteria: ACMG Guidelines, 2015. Collection method: clinical testing. Allele origin: germline.

Color Diagnostics, LLC DBA Color Health
Classification: Benign for Familial thoracic aortic aneurysm and aortic dissection. Last evaluated: 2018-03-16. Review status: criteria provided, single submitter. Criteria: ACMG Guidelines, 2015. Collection method: clinical testing. Allele origin: germline.

Illumina Laboratory Services, Illumina
Classification: Benign for Loeys-Dietz syndrome 2. Last evaluated: 2018-01-13. Review status: criteria provided, single submitter. Criteria: ICSL Variant Classification Criteria 13 December 2019. Collection method: clinical testing. Allele origin: germline.
Comment: This variant was observed in the ICSL laboratory as part of a predisposition screen in an ostensibly healthy population. It had not been previously curated by ICSL or reported in the Human Gene Mutation Database (HGMD: prior to June 1st, 2018), and was therefore a candidate for classification through an automated scoring system. Utilizing variant allele frequency, disease prevalence and penetrance estimates, and inheritance mode, an automated score was calculated to assess if this variant is too frequent to cause the disease. Based on the score and internal cut-off values, a variant classified as benign is not then subjected to further curation. The score for this variant resulted in a classification of benign for this disease.

Ambry Genetics
Classification: Benign for Cardiovascular phenotype. Last evaluated: 2015-07-07. Review status: criteria provided, single submitter. Criteria: Ambry Autosomal Dominant and X-Linked criteria (10/2015). Collection method: clinical testing. Allele origin: germline. Observed: 1 variant allele.

GeneDx
Classification: Benign. Last evaluated: 2012-10-26. Review status: criteria provided, single submitter. Criteria: GeneDx Variant Classification (06012015). Collection method: clinical testing. Allele origin: germline. Affected: yes.
Comment: This variant is considered likely benign or benign based on one or more of the following criteria: it is a conservative change, it occurs at a poorly conserved position in the protein, it is predicted to be benign by multiple in silico algorithms, and/or has population frequency not consistent with disease.

Women's Health and Genetics/Laboratory Corporation of America, LabCorp
Classification: Benign for Loeys-Dietz Syndrome. Last evaluated: 2011-08-18. Review status: criteria provided, single submitter. Criteria: LabCorp Variant Classification Summary - May 2015. Collection method: clinical testing. Allele origin: germline. Inheritance: autosomal unknown.
ClinVar note: Converted during submission from benign to Benign.

Laboratory for Molecular Medicine, Mass General Brigham Personalized Medicine
Classification: Benign. Last evaluated: 2009-01-21. Review status: criteria provided, single submitter. Criteria: LMM Criteria. Collection method: clinical testing. Allele origin: germline. Observed: 10 variant alleles.

Breakthrough Genomics
Classification: Benign. Review status: criteria provided, single submitter. Criteria: ACMG Guidelines, 2015. Collection method: not provided. Allele origin: germline. Inheritance: Autosomal dominant inheritance. Affected: yes.

PreventionGenetics, part of Exact Sciences
Classification: Benign. Review status: criteria provided, single submitter. Criteria: ACMG Guidelines, 2015. Collection method: clinical testing. Allele origin: germline.

Literature cited by the submitters: PubMed 18781618 (cited by Women's Health and Genetics/Laboratory Corporation of America, LabCorp and Laboratory for Molecular Medicine, Mass General Brigham Personalized Medicine).